The following is an entry in ClinVar:

NM_152393.4(KLHL40):c.1628T>C (p.Phe543Ser)

Gene: KLHL40 (kelch like family member 40; plus strand). Cytogenetic location: 3p22.1.
Variant type: single nucleotide variant.
Coding change: c.1628T>C on transcript NM_152393.4 (MANE Select); coding-DNA position 1628, T replaced by C.
Protein change: p.Phe543Ser; replaces phenylalanine 543 with serine.
Molecular consequence: missense variant.
Genome position (GRCh38, 1-based): chr3:42,690,879, T>C. VCF-style: chr3-42690879-T-C. GRCh37 (hg19) VCF-style: chr3-42732371-T-C.
Other names: short protein forms F543S.
Identifiers: ClinVar variation 1449352 (VCV001449352.8), dbSNP rs2125846086, ClinGen allele CA352295133.
Genomic context (GRCh38, chr3:42,690,879, plus strand): 5'-CCGAGGCATCCCAATGATGCACCTTCTCACACACCCCCAGGTGGGCACCCTTCGAGGCCT[T>C]CCCACAGGAGCGTAGCTCACTCAGCCTGGTCAGCCTGGTGGGTACCCTCTATGCCATTGG-3'
Protein context (NP_689606.2, residues 533-553): TDNKWAPFEA[Phe543Ser]PQERSSLSLV

ClinVar aggregate classification (germline): Uncertain significance (1 of 4 stars; one submission).

Conditions:
Nemaline myopathy 8 (NEM8). Also called: Nemaline myopathy 8, autosomal recessive. Identifiers: Orphanet 171430, MedGen C3809209, MONDO:0014138, OMIM 615348.

Allele frequency attached by ClinVar (database versions not stated): gnomAD exomes below 0.00001.

Submission:

Labcorp Genetics (formerly Invitae), Labcorp
Classification: Uncertain significance for Nemaline myopathy 8. Last evaluated: 2022-09-07. Review status: criteria provided, single submitter. Criteria: Invitae Variant Classification Sherloc (09022015). Collection method: clinical testing. Allele origin: germline.
Comment: In summary, the available evidence is currently insufficient to determine the role of this variant in disease. Therefore, it has been classified as a Variant of Uncertain Significance. Algorithms developed to predict the effect of missense changes on protein structure and function are either unavailable or do not agree on the potential impact of this missense change (SIFT: "Deleterious"; PolyPhen-2: "Probably Damaging"; Align-GVGD: "Class C0"). ClinVar contains an entry for this variant (Variation ID: 1449352). This variant has not been reported in the literature in individuals affected with KLHL40-related conditions. This variant is not present in population databases (gnomAD no frequency). This sequence change replaces phenylalanine, which is neutral and non-polar, with serine, which is neutral and polar, at codon 543 of the KLHL40 protein (p.Phe543Ser).